The following is an entry in ClinVar:

ClinVar aggregate classification (germline): Benign. Review status: criteria provided, multiple submitters, no conflicts (2 of 4 stars). 12 submissions from 10 submitters: Benign (9). 3 of the submissions do not count toward it. Last evaluated 2026-06-22.

Conditions:
Walker-Warburg congenital muscular dystrophy. Also called: Muscular dystrophy-dystroglycanopathy, type A; Walker-Warburg syndrome. Identifiers: Orphanet 899, MedGen C0265221, MONDO:0000171.
Autosomal recessive limb-girdle muscular dystrophy type 2K. Also called: MUSCULAR DYSTROPHY-DYSTROGLYCANOPATHY (LIMB-GIRDLE), TYPE C, 1; MUSCULAR DYSTROPHY, LIMB-GIRDLE, TYPE 2K. Identifiers: Orphanet 86812, MedGen C1836373, MONDO:0012248, OMIM 609308.
Muscular dystrophy-dystroglycanopathy (congenital with impaired intellectual development), type B, 1. Also called: MUSCULAR DYSTROPHY, CONGENITAL, POMT1-RELATED; Muscular dystrophy-dystroglycanopathy (congenital with intellectual disability), type B1. Identifiers: MedGen C5436962, MONDO:0013159, OMIM 613155.
Muscular dystrophy-dystroglycanopathy (congenital with brain and eye anomalies), type A1 (MDDGA1). Also called: WALKER-WARBURG SYNDROME OR MUSCLE-EYE-BRAIN DISEASE, POMT1-RELATED; Hydrocephalus, agyria and retinal dysplasia; Hard +/- E syndrome; Warburg syndrome; Chemke syndrome; Pagon syndrome. Identifiers: Orphanet 588, Orphanet 899, MedGen C4284790, MONDO:0009364, OMIM 236670.

Allele frequency attached by ClinVar (database versions not stated): 1000 Genomes Project 30x 0.86696; TOPMed 0.86893; 1000 Genomes Project 0.87081; ESP Exome Variant Server 0.88052; gnomAD 0.88277 and 0.88721; ExAC 0.92308.
gnomAD v4.1: 1,516,508 of 1,613,692 alleles (94%); highest among the groups gnomAD compares: South Asian, 97%; 714,864 homozygotes.

Submissions (12):

Women's Health and Genetics/Laboratory Corporation of America, LabCorp
Classification: Benign. Last evaluated: 2026-06-22. Review status: criteria provided, single submitter. Criteria: LabCorp Variant Classification Summary - May 2015. Collection method: clinical testing. Allele origin: germline.

Labcorp Genetics (formerly Invitae), Labcorp
Classification: Benign for Muscular dystrophy-dystroglycanopathy (congenital with impaired intellectual development), type B, 1; Walker-Warburg congenital muscular dystrophy; Autosomal recessive limb-girdle muscular dystrophy type 2K. Last evaluated: 2026-02-04. Review status: criteria provided, single submitter. Criteria: Invitae Variant Classification Sherloc (09022015). Collection method: clinical testing. Allele origin: germline.

Blueprint Genetics
Classification: Benign. Last evaluated: 2024-11-27. Review status: criteria provided, single submitter. Criteria: ACMG Guidelines, 2015. Collection method: clinical testing. Allele origin: germline.

Genome-Nilou Lab
Classification: Benign for Muscular dystrophy-dystroglycanopathy (congenital with brain and eye anomalies), type A1. Last evaluated: 2021-10-25. Review status: criteria provided, single submitter. Criteria: ACMG Guidelines, 2015. Collection method: clinical testing. Allele origin: germline. Affected: no.

Genome-Nilou Lab
Classification: Benign for Muscular dystrophy-dystroglycanopathy (congenital with impaired intellectual development), type B, 1. Last evaluated: 2021-10-25. Review status: criteria provided, single submitter. Criteria: ACMG Guidelines, 2015. Collection method: clinical testing. Allele origin: germline. Affected: no.

Genome-Nilou Lab
Classification: Benign for Autosomal recessive limb-girdle muscular dystrophy type 2K. Last evaluated: 2021-10-25. Review status: criteria provided, single submitter. Criteria: ACMG Guidelines, 2015. Collection method: clinical testing. Allele origin: germline. Affected: no.

Laboratory for Molecular Medicine, Mass General Brigham Personalized Medicine
Classification: Benign. Last evaluated: 2014-11-26. Review status: criteria provided, single submitter. Criteria: LMM Criteria. Collection method: clinical testing. Allele origin: germline. Observed: 15 variant alleles.
Comment: This is a RefSeq error. The reference base (c.942T) is the minor allele. This al lele (T) has been identified in 4.8% (411/8598) of European American chromosomes and 26% (1143/4406) of African American chromosomes by the NHLBI Exome Sequenci ng Project (dbSNP rs10901065) and thus meets criteria to be classified as benign.

Eurofins Ntd Llc (ga)
Classification: Benign. Last evaluated: 2013-04-23. Review status: criteria provided, single submitter. Criteria: EGL Classification Definitions 2015. Collection method: clinical testing. Allele origin: germline. Observed: 84 variant alleles, 9 heterozygotes, 75 homozygotes.

Breakthrough Genomics
Classification: Benign. Review status: criteria provided, single submitter. Criteria: ACMG Guidelines, 2015. Collection method: not provided. Allele origin: germline. Inheritance: Autosomal recessive inheritance. Affected: yes.

Clinical Genetics DNA and cytogenetics Diagnostics Lab, Erasmus MC, Erasmus Medical Center
Classification: Benign. Review status: no assertion criteria provided. Collection method: clinical testing. Allele origin: germline. Affected: yes. Study: VKGL Data-share Consensus. Not counted in ClinVar's aggregate classification.

Clinical Genetics, Academic Medical Center
Classification: Benign. Review status: no assertion criteria provided. Collection method: clinical testing. Allele origin: germline. Affected: yes. Study: VKGL Data-share Consensus. Not counted in ClinVar's aggregate classification.

Diagnostic Laboratory, Department of Genetics, University Medical Center Groningen
Classification: Benign. Review status: no assertion criteria provided. Collection method: clinical testing. Allele origin: germline. Affected: yes. Study: VKGL Data-share Consensus. Not counted in ClinVar's aggregate classification.

NM_001077365.2(POMT1):c.876T>C (p.Thr292=)

Gene: POMT1 (protein O-mannosyltransferase 1; plus strand). Cytogenetic location: 9q34.13.
Variant type: single nucleotide variant.
Coding change: c.876T>C on transcript NM_001077365.2 (MANE Select); coding-DNA position 876, T replaced by C.
Protein change: p.Thr292=; no amino-acid change (threonine 292 retained).
Molecular consequence: synonymous variant. On other transcripts: missense variant (1), non-coding transcript variant (10).
Genome position (GRCh38, 1-based): chr9:131,511,357, T>C. VCF-style: chr9-131511357-T-C. GRCh37 (hg19) VCF-style: chr9-134386744-T-C.
Other names: c.714T>C, p.Thr238= (NM_001077366.2, NM_001353194.2, NM_001374693.1); c.876T>C, p.Thr292= (NM_001136113.2, NM_001374690.1); c.525T>C, p.Thr175= (NM_001136114.2, NM_001353195.2, NM_001374691.1 and 1 more transcripts); c.942T>C, p.Thr314= (NM_001353193.2, NM_007171.4); c.786T>C, p.Thr262= (NM_001353196.2); c.780T>C, p.Thr260= (NM_001353197.2, NM_001353198.2); c.591T>C, p.Thr197= (NM_001353199.2); c.420T>C, p.Thr140= (NM_001353200.2); and 2 more; short protein forms S287P.
Identifiers: ClinVar variation 167519 (VCV000167519.27), dbSNP rs10901065, ClinGen allele CA180332.